The following is an entry in ClinVar:

NM_000448.3(RAG1):c.2345T>A (p.Val782Asp)

Gene: RAG1 (recombination activating 1; plus strand). Cytogenetic location: 11p12.
Variant type: single nucleotide variant.
Coding change: c.2345T>A on transcript NM_000448.3 (MANE Select); coding-DNA position 2345, T replaced by A.
Protein change: p.Val782Asp; replaces valine 782 with aspartic acid.
Molecular consequence: missense variant.
Genome position (GRCh38, 1-based): chr11:36,575,649, T>A. VCF-style: chr11-36575649-T-A. GRCh37 (hg19) VCF-style: chr11-36597199-T-A.
Other names: c.2345T>A, p.Val782Asp (NM_001377277.1, NM_001377278.1, NM_001377279.1 and 1 more transcripts); short protein forms V782D.
Identifiers: ClinVar variation 2416596 (VCV002416596.9), dbSNP rs200300629, ClinGen allele CA220601518.

ClinVar aggregate classification (germline): Likely pathogenic. Review status: criteria provided, multiple submitters, no conflicts (2 of 4 stars). 4 submissions from 4 submitters: Likely pathogenic (4). Last evaluated 2024-06-16.

Conditions:
Severe combined immunodeficiency, autosomal recessive, T cell-negative, B cell-negative, NK cell-positive. Also called: Severe combined immunodeficiency due to complete RAG1/2 deficiency; SCID, T CELL-NEGATIVE, B CELL-NEGATIVE, NK CELL-POSITIVE; SCID, AR, T-cell negative, B-cell negative, NK cell-positive. Identifiers: Orphanet 331206, MedGen C1832322, MONDO:0011086, OMIM 601457.
Combined immunodeficiency with skin granulomas. Identifiers: Orphanet 157949, MedGen C2673536, MONDO:0009306, OMIM 233650.
Severe combined immunodeficiency disease. Also called: Severe Combined Immune Deficiency; Severe combined immunodeficiency. Identifiers: Orphanet 183660, MedGen C0085110, MeSH D016511, MONDO:0015974, HP:0004430. Inheritance: X-Linked or Autosomal recessive.
Combined immunodeficiency due to partial RAG1 deficiency. Identifiers: Orphanet 231154, MedGen C1835931, MONDO:0012359, OMIM 609889.
Histiocytic medullary reticulosis. Also called: Omenn syndrome; SEVERE COMBINED IMMUNODEFICIENCY WITH HYPEREOSINOPHILIA. Identifiers: Orphanet 39041, MedGen C2700553, MONDO:0011338, OMIM 603554.

Allele frequency attached by ClinVar (database versions not stated): gnomAD exomes 0.00001.
gnomAD v4.1: 3 of 1,614,102 alleles (0.00019%); highest among the groups gnomAD compares: Non-Finnish European, 0.00025%; no homozygotes.

Submissions (4):

Fulgent Genetics
Classification: Likely pathogenic for Combined immunodeficiency with skin granulomas; Severe combined immunodeficiency, autosomal recessive, T cell-negative, B cell-negative, NK cell-positive; Histiocytic medullary reticulosis; Combined immunodeficiency due to partial RAG1 deficiency. Last evaluated: 2024-06-16. Review status: criteria provided, single submitter. Criteria: ACMG Guidelines, 2015. Collection method: clinical testing. Allele origin: germline.

Women's Health and Genetics/Laboratory Corporation of America, LabCorp
Classification: Likely pathogenic for Severe combined immunodeficiency disease. Last evaluated: 2024-06-14. Review status: criteria provided, single submitter. Criteria: LabCorp Variant Classification Summary - May 2015. Collection method: clinical testing. Allele origin: germline.
Comment: Variant summary: RAG1 c.2345T>A (p.Val782Asp) results in a non-conservative amino acid change in the encoded protein sequence. Five of five in-silico tools predict a damaging effect of the variant on protein function. The variant was absent in 251188 control chromosomes. c.2345T>A has been reported in the literature in the presumed compound heterozygous state in at least 1 individual affected with Omenn syndrome (example, Sharapova_2020). At least one publication reports experimental evidence evaluating an impact on protein function. The most pronounced variant effect results in undetectable RAG activity when assessed in a pro-B cell line that lacks both RAG1 and RAG2 (example, Sharapova_2020). The following publication have been ascertained in the context of this evaluation (PMID: 32655540). ClinVar contains an entry for this variant (Variation ID: 2416596). Based on the evidence outlined above, the variant was classified as likely pathogenic.

Labcorp Genetics (formerly Invitae), Labcorp
Classification: Likely pathogenic for Combined immunodeficiency with skin granulomas; Severe combined immunodeficiency, autosomal recessive, T cell-negative, B cell-negative, NK cell-positive. Last evaluated: 2024-05-22. Review status: criteria provided, single submitter. Criteria: Invitae Variant Classification Sherloc (09022015). Collection method: clinical testing. Allele origin: germline.
Comment: This sequence change replaces valine, which is neutral and non-polar, with aspartic acid, which is acidic and polar, at codon 782 of the RAG1 protein (p.Val782Asp). This variant is not present in population databases (gnomAD no frequency). This missense change has been observed in individual(s) with Omenn syndrome and/or severe combined immunodeficiency (PMID: 32655540). ClinVar contains an entry for this variant (Variation ID: 2416596). Advanced modeling of protein sequence and biophysical properties (such as structural, functional, and spatial information, amino acid conservation, physicochemical variation, residue mobility, and thermodynamic stability) performed at Invitae indicates that this missense variant is not expected to disrupt RAG1 protein function with a negative predictive value of 80%. In summary, the currently available evidence indicates that the variant is pathogenic, but additional data are needed to prove that conclusively. Therefore, this variant has been classified as Likely Pathogenic.

Baylor Genetics
Classification: Likely pathogenic for Combined immunodeficiency due to partial RAG1 deficiency. Last evaluated: 2024-02-24. Review status: criteria provided, single submitter. Criteria: ACMG Guidelines, 2015. Collection method: clinical testing. Allele origin: unknown.

Literature cited by the submitters: PubMed 32655540 (cited by Women's Health and Genetics/Laboratory Corporation of America, LabCorp and Labcorp Genetics (formerly Invitae), Labcorp).